The following is an entry in ClinVar:

NM_001127898.4(CLCN5):c.467_471del (p.Lys156fs)

Gene: CLCN5 (chloride voltage-gated channel 5; plus strand). Cytogenetic location: Xp11.23.
Variant type: Deletion.
Coding change: c.467_471del on transcript NM_001127898.4 (MANE Select); coding-DNA positions 467 to 471, 5 bases deleted (AAGAA; older notation c.467_471delAAGAA).
Protein change: p.Lys156fs; shifts the reading frame from lysine 156.
Molecular consequence: frameshift variant.
Genome position (GRCh38, 1-based): chrX:50,075,846-50,075,850, AAGAA deleted; deleting any 5 consecutive bases within chrX:50,075,844-50,075,850 gives the same sequence; the c. name uses the placement nearest the transcript's 3' end. VCF-style (leftmost placement, unchanged base first): chrX-50075843-TAAAAG-T. GRCh37 (hg19) VCF-style: chrX-49840498-TAAAAG-T.
Other names: c.257_261del, p.Lys86fs (NM_000084.5); c.467_471del, p.Lys156fs (NM_001127899.4); c.317_321del, p.Lys106fs (NM_001282163.2); short protein forms K106fs, K156fs, K86fs.
Identifiers: ClinVar variation 2000809 (VCV002000809.4), dbSNP rs782361600, ClinGen allele CA10413736.

ClinVar aggregate classification (germline): Pathogenic (1 of 4 stars; one submission).

Submission:

Labcorp Genetics (formerly Invitae), Labcorp
Classification: Pathogenic. Last evaluated: 2024-10-22. Review status: criteria provided, single submitter. Criteria: Invitae Variant Classification Sherloc (09022015). Collection method: clinical testing. Allele origin: germline.
Comment: This sequence change creates a premature translational stop signal (p.Lys86Argfs*10) in the CLCN5 gene. It is expected to result in an absent or disrupted protein product. Loss-of-function variants in CLCN5 are known to be pathogenic (PMID: 22876375, 25907713). This variant is not present in population databases (gnomAD no frequency). This variant has not been reported in the literature in individuals affected with CLCN5-related conditions. ClinVar contains an entry for this variant (Variation ID: 2000809). For these reasons, this variant has been classified as Pathogenic.

Literature cited by the submitters: PubMed 22876375; PubMed 25907713.